The following is an entry in ClinVar:

NM_006885.4(ZFHX3):c.265G>A (p.Ala89Thr)

Gene: ZFHX3 (zinc finger homeobox 3; minus strand). Cytogenetic location: 16q22.3.
Variant type: single nucleotide variant.
Coding change: c.265G>A on transcript NM_006885.4 (MANE Select); coding-DNA position 265, G replaced by A.
Protein change: p.Ala89Thr; replaces alanine 89 with threonine.
Molecular consequence: missense variant. On other transcripts: intron variant (1).
Genome position (GRCh38, 1-based): chr16:72,959,881, C>T on the plus strand (G>A on the coding strand, the complement: ZFHX3 is on the minus strand). VCF-style: chr16-72959881-C-T. GRCh37 (hg19) VCF-style: chr16-72993780-C-T.
Other names: c.265G>A, p.Ala89Thr (NM_001386735.1); c.-23-8916G>A (NM_001164766.2); short protein forms A89T.
Identifiers: ClinVar variation 4205152 (VCV004205152.2).

ClinVar aggregate classification (germline): Uncertain significance. Review status: criteria provided, multiple submitters, no conflicts (2 of 4 stars). 2 submissions from 2 submitters: Uncertain significance (2). Last evaluated 2025-11-11.

gnomAD v4.1: 1 of 1,602,726 alleles (0.000062%); highest among the groups gnomAD compares: East Asian, 0.0022%; no homozygotes.

Submissions (2):

Labcorp Genetics (formerly Invitae), Labcorp
Classification: Uncertain significance. Last evaluated: 2025-11-11. Review status: criteria provided, single submitter. Criteria: Invitae Variant Classification Sherloc (09022015). Collection method: clinical testing. Allele origin: germline.
Comment: This sequence change replaces alanine, which is neutral and non-polar, with threonine, which is neutral and polar, at codon 89 of the ZFHX3 protein (p.Ala89Thr). The frequency data for this variant in the population databases is considered unreliable, as metrics indicate poor data quality at this position in the gnomAD database. This variant has not been reported in the literature in individuals affected with ZFHX3-related conditions. ClinVar contains an entry for this variant (Variation ID: 4205152). An algorithm developed to predict the effect of missense changes on protein structure and function (PolyPhen-2) suggests that this variant is likely to be disruptive. In summary, the available evidence is currently insufficient to determine the role of this variant in disease. Therefore, it has been classified as a Variant of Uncertain Significance.

Ambry Genetics
Classification: Uncertain significance. Last evaluated: 2025-08-07. Review status: criteria provided, single submitter. Criteria: Ambry Variant Classification Scheme 2023. Collection method: clinical testing. Allele origin: germline.